The following is an entry in ClinVar:

NM_000256.3(MYBPC3):c.772+10C>T

Gene: MYBPC3 (myosin binding protein C3; minus strand). Cytogenetic location: 11p11.2.
Variant type: single nucleotide variant.
Coding change: c.772+10C>T on transcript NM_000256.3 (MANE Select); 10 bases into the intron after coding-DNA position 772, C replaced by T.
Molecular consequence: intron variant.
Genome position (GRCh38, 1-based): chr11:47,348,414, G>A on the plus strand (C>T on the coding strand, the complement: MYBPC3 is on the minus strand). VCF-style: chr11-47348414-G-A. GRCh37 (hg19) VCF-style: chr11-47369965-G-A.
Identifiers: ClinVar variation 42789 (VCV000042789.20), dbSNP rs375525278, ClinGen allele CA015798.
Genomic context (GRCh38, chr11:47,348,414, plus strand): 5'-GGGAAAAGGAGGTAGGAGACCAGGACCCATGGGGAGCCCGAGCCCAGGACAGACACCAGG[G>A]CCCCCTCACCGTGGACAGTGAGATTGAAGTTGGAGCAGTCAAATTTGTCCTTGGTGGACA-3'

ClinVar aggregate classification (germline): Conflicting classifications of pathogenicity. Review status: criteria provided, conflicting classifications (1 of 4 stars). 7 submissions from 6 submitters: Uncertain significance (1); Benign (2); Likely benign (4). Last evaluated 2026-01-25.

Conditions:
MYBPC3-related disorder. Also called: MYBPC3-related disorders; MYBPC3-related condition; MYBPC3-related disease.
Left ventricular noncompaction 10 (LVNC10). Identifiers: Orphanet 154, Orphanet 54260, MedGen C3715165, MONDO:0014163, OMIM 615396.
Hypertrophic cardiomyopathy 4. Also called: Familial hypertrophic cardiomyopathy 4. Identifiers: MedGen C1861862, MONDO:0007268, OMIM 115197.
Hypertrophic cardiomyopathy. Also called: HYPERTROPHIC MYOCARDIOPATHY. Identifiers: Orphanet 217569, MedGen C0007194, MeSH D002312, MONDO:0005045, HP:0001639.

Allele frequency attached by ClinVar (database versions not stated): TOPMed 0.00024; gnomAD 0.00028 and 0.00030; ESP Exome Variant Server 0.00024; gnomAD exomes 0.00004; ExAC 0.00008.
gnomAD v4.1: 62 of 1,593,988 alleles (0.0039%); highest among the groups gnomAD compares: African/African-American, 0.076%; no homozygotes.

Submissions (7):

Labcorp Genetics (formerly Invitae), Labcorp
Classification: Likely benign for Hypertrophic cardiomyopathy. Last evaluated: 2026-01-25. Review status: criteria provided, single submitter. Criteria: Invitae Variant Classification Sherloc (09022015). Collection method: clinical testing. Allele origin: germline.

PreventionGenetics, part of Exact Sciences
Classification: Likely benign for MYBPC3-related condition. Last evaluated: 2025-11-17. Review status: criteria provided, single submitter. Criteria: ACMG Guidelines, 2015. Collection method: clinical testing. Allele origin: germline.
Comment: This variant is classified as likely benign based on ACMG/AMP sequence variant interpretation guidelines (Richards et al. 2015 PMID: 25741868, with internal and published modifications).

Blueprint Genetics
Classification: Likely benign. Last evaluated: 2020-08-10. Review status: criteria provided, single submitter. Criteria: ACMG Guidelines, 2015. Collection method: clinical testing. Allele origin: germline.

Illumina Laboratory Services, Illumina
Classification: Benign for Left ventricular noncompaction 10. Last evaluated: 2018-01-13. Review status: criteria provided, single submitter. Criteria: ICSL Variant Classification Criteria 13 December 2019. Collection method: clinical testing. Allele origin: germline.
Comment: This variant was observed in the ICSL laboratory as part of a predisposition screen in an ostensibly healthy population. It had not been previously curated by ICSL or reported in the Human Gene Mutation Database (HGMD: prior to June 1st, 2018), and was therefore a candidate for classification through an automated scoring system. Utilizing variant allele frequency, disease prevalence and penetrance estimates, and inheritance mode, an automated score was calculated to assess if this variant is too frequent to cause the disease. Based on the score and internal cut-off values, a variant classified as benign is not then subjected to further curation. The score for this variant resulted in a classification of benign for this disease.

Illumina Laboratory Services, Illumina
Classification: Uncertain significance for Hypertrophic cardiomyopathy 4. Last evaluated: 2018-01-13. Review status: criteria provided, single submitter. Criteria: ICSL Variant Classification Criteria 13 December 2019. Collection method: clinical testing. Allele origin: germline.

GeneDx
Classification: Benign. Last evaluated: 2016-02-22. Review status: criteria provided, single submitter. Criteria: GeneDx Variant Classification (06012015). Collection method: clinical testing. Allele origin: germline. Affected: yes.
Comment: This variant is considered likely benign or benign based on one or more of the following criteria: it is a conservative change, it occurs at a poorly conserved position in the protein, it is predicted to be benign by multiple in silico algorithms, and/or has population frequency not consistent with disease.

Laboratory for Molecular Medicine, Mass General Brigham Personalized Medicine
Classification: Likely benign. Last evaluated: 2013-02-25. Review status: criteria provided, single submitter. Criteria: LMM Criteria. Collection method: clinical testing. Allele origin: germline. Observed: 2 variant alleles.
Comment: 772+10C>T in intron 6 of MYBPC3: This variant is not expected to have clinical s ignificance because it is not located within the splice consensus sequence. It h as been identified in 0.1% (3/3362) of African American chromosomes from a broad population by the NHLBI Exome Sequencing Project (EVS). 772+10C>T in intron 6 of MYBPC3 (allele frequency = 0.1%, 3/3362) **